The following is an entry in ClinVar:

ClinVar aggregate classification (germline): Uncertain significance (1 of 4 stars; one submission).

Allele frequency attached by ClinVar (database versions not stated): gnomAD exomes below 0.00001.
gnomAD v4.1: 5 of 1,610,956 alleles (0.00031%); highest among the groups gnomAD compares: Non-Finnish European, 0.00017%; no homozygotes.

Submission:

Labcorp Genetics (formerly Invitae), Labcorp
Classification: Uncertain significance. Last evaluated: 2022-08-25. Review status: criteria provided, single submitter. Criteria: Invitae Variant Classification Sherloc (09022015). Collection method: clinical testing. Allele origin: germline.
Comment: In summary, the available evidence is currently insufficient to determine the role of this variant in disease. Therefore, it has been classified as a Variant of Uncertain Significance. Advanced modeling of protein sequence and biophysical properties (such as structural, functional, and spatial information, amino acid conservation, physicochemical variation, residue mobility, and thermodynamic stability) performed at Invitae indicates that this missense variant is not expected to disrupt NEFH protein function. This sequence change replaces glutamic acid, which is acidic and polar, with lysine, which is basic and polar, at codon 863 of the NEFH protein (p.Glu863Lys). This variant is not present in population databases (gnomAD no frequency). This variant has not been reported in the literature in individuals affected with NEFH-related conditions.

NM_021076.4(NEFH):c.2587G>A (p.Glu863Lys)

Gene: NEFH (neurofilament heavy chain; plus strand). Cytogenetic location: 22q12.2.
Variant type: single nucleotide variant.
Coding change: c.2587G>A on transcript NM_021076.4 (MANE Select); coding-DNA position 2587, G replaced by A.
Protein change: p.Glu863Lys; replaces glutamic acid 863 with lysine.
Molecular consequence: missense variant.
Genome position (GRCh38, 1-based): chr22:29,490,227, G>A. VCF-style: chr22-29490227-G-A. GRCh37 (hg19) VCF-style: chr22-29886216-G-A.
Other names: short protein forms E863K.
Identifiers: ClinVar variation 1945651 (VCV001945651.5), dbSNP rs2063072810, ClinGen allele CA411138160.